The following is an entry in ClinVar:

ClinVar aggregate classification (germline): Benign. Review status: criteria provided, single submitter (1 of 4 stars). 2 submissions from 2 submitters: Benign (1). 1 of the submissions does not count toward it. Last evaluated 2025-12-15.

Conditions:
MAPKBP1-related disorder. Also called: MAPKBP1-related condition.

Allele frequency attached by ClinVar (database versions not stated): TOPMed 0.00002; gnomAD 0.00017; gnomAD exomes 0.00025; ExAC 0.00052; 1000 Genomes Project 0.00120; 1000 Genomes Project 30x 0.00141.
gnomAD v4.1: 395 of 1,614,086 alleles (0.024%); highest among the groups gnomAD compares: South Asian, 0.42%; 2 homozygotes.

Submissions (2):

Labcorp Genetics (formerly Invitae), Labcorp
Classification: Benign. Last evaluated: 2025-12-15. Review status: criteria provided, single submitter. Criteria: Invitae Variant Classification Sherloc (09022015). Collection method: clinical testing. Allele origin: germline.

PreventionGenetics, part of Exact Sciences
Classification: Likely benign for MAPKBP1-related condition. Last evaluated: 2024-08-12. Review status: no assertion criteria provided. Collection method: clinical testing. Allele origin: germline. Not counted in ClinVar's aggregate classification.
Comment: This variant is classified as likely benign based on ACMG/AMP sequence variant interpretation guidelines (Richards et al. 2015 PMID: 25741868, with internal and published modifications).

NM_014994.3(MAPKBP1):c.3181C>G (p.Gln1061Glu)

Gene: MAPKBP1 (mitogen-activated protein kinase binding protein 1; plus strand). Cytogenetic location: 15q15.1.
Variant type: single nucleotide variant.
Coding change: c.3181C>G on transcript NM_014994.3 (MANE Select); coding-DNA position 3181, C replaced by G.
Protein change: p.Gln1061Glu; replaces glutamine 1061 with glutamic acid.
Molecular consequence: missense variant. On other transcripts: non-coding transcript variant (2).
Genome position (GRCh38, 1-based): chr15:41,822,374, C>G. VCF-style: chr15-41822374-C-G. GRCh37 (hg19) VCF-style: chr15-42114572-C-G.
Other names: c.3199C>G, p.Gln1067Glu (NM_001128608.2); c.3181C>G, p.Gln1061Glu (NM_001265611.2); c.3199C>G (NM_001128608.1); short protein forms Q1061E, Q1067E.
Identifiers: ClinVar variation 2056019 (VCV002056019.5), dbSNP rs552895782, ClinGen allele CA7498496.
Genomic context (GRCh38, chr15:41,822,374, plus strand): 5'-GAGGGAGGCATGGGCCCCTATGGGCTACAGGAGGGCAGCCCCCAGACTCCAGACCAGGAG[C>G]AGTTTCTAAAACAGCACTTTGAGACTCTGGCCAGTGGAGCTGCTCCAGGTGTGGTCAGAG-3'
Protein context (NP_055809.2, residues 1051-1071): EGSPQTPDQE[Gln1061Glu]FLKQHFETLA